The following is an entry in ClinVar:

ClinVar aggregate classification (germline): Uncertain significance. Review status: criteria provided, multiple submitters, no conflicts (2 of 4 stars). 2 submissions from 2 submitters: Uncertain significance (2). Last evaluated 2024-11-04.

Submissions (2):

Women's Health and Genetics/Laboratory Corporation of America, LabCorp
Classification: Uncertain significance. Last evaluated: 2024-11-04. Review status: criteria provided, single submitter. Criteria: LabCorp Variant Classification Summary - May 2015. Collection method: clinical testing. Allele origin: germline.

Labcorp Genetics (formerly Invitae), Labcorp
Classification: Uncertain significance. Last evaluated: 2022-03-14. Review status: criteria provided, single submitter. Criteria: Invitae Variant Classification Sherloc (09022015). Collection method: clinical testing. Allele origin: germline.
Comment: In summary, the available evidence is currently insufficient to determine the role of this variant in disease. Therefore, it has been classified as a Variant of Uncertain Significance. Variants that disrupt the consensus splice site are a relatively common cause of aberrant splicing (PMID: 17576681, 9536098). Algorithms developed to predict the effect of sequence changes on RNA splicing suggest that this variant is not likely to affect RNA splicing. This variant has not been reported in the literature in individuals affected with PYCR1-related conditions. This variant is not present in population databases (gnomAD no frequency). This sequence change falls in intron 1 of the PYCR1 gene. It does not directly change the encoded amino acid sequence of the PYCR1 protein. It affects a nucleotide within the consensus splice site.

Literature cited by the submitters: PubMed 17576681 (cited by Labcorp Genetics (formerly Invitae), Labcorp); PubMed 9536098 (cited by Labcorp Genetics (formerly Invitae), Labcorp).

NM_006907.4(PYCR1):c.67+6C>A

Gene: PYCR1 (pyrroline-5-carboxylate reductase 1; minus strand). Cytogenetic location: 17q25.3.
Variant type: single nucleotide variant.
Coding change: c.67+6C>A on transcript NM_006907.4 (MANE Select); 6 bases into the intron after coding-DNA position 67, C replaced by A.
Molecular consequence: intron variant.
Genome position (GRCh38, 1-based): chr17:81,936,742, G>T on the plus strand (C>A on the coding strand, the complement: PYCR1 is on the minus strand). VCF-style: chr17-81936742-G-T. GRCh37 (hg19) VCF-style: chr17-79894618-G-T.
Other names: c.67+6C>A (NM_001282279.2, NM_001330523.2, NM_001282280.2 and 1 more transcripts); c.148+6C>A (NM_001282281.2).
Identifiers: ClinVar variation 2111650 (VCV002111650.5), dbSNP rs2510124711, ClinGen allele CA2576428762.